The following is an entry in ClinVar:

NM_004655.4(AXIN2):c.186G>C (p.Leu62Phe)

Gene: AXIN2 (axin 2; minus strand). Cytogenetic location: 17q24.1.
Variant type: single nucleotide variant.
Coding change: c.186G>C on transcript NM_004655.4 (MANE Select); coding-DNA position 186, G replaced by C.
Protein change: p.Leu62Phe; replaces leucine 62 with phenylalanine.
Molecular consequence: missense variant.
Genome position (GRCh38, 1-based): chr17:65,558,435, C>G on the plus strand (G>C on the coding strand, the complement: AXIN2 is on the minus strand). VCF-style: chr17-65558435-C-G. GRCh37 (hg19) VCF-style: chr17-63554553-C-G.
Other names: c.186G>C, p.Leu62Phe (NM_001363813.1); short protein forms L62F.
Identifiers: ClinVar variation 4867317 (VCV004867317.1).

ClinVar aggregate classification (germline): Uncertain significance (1 of 4 stars; one submission).

Conditions:
Hereditary cancer-predisposing syndrome. Also called: Neoplastic Syndromes, Hereditary; Tumor predisposition; Hereditary Cancer Syndrome; Hereditary neoplastic syndrome. Identifiers: Orphanet 140162, MedGen C0027672, MeSH D009386, MONDO:0015356.

Submission:

Ambry Genetics
Classification: Uncertain significance for Hereditary cancer-predisposing syndrome. Last evaluated: 2026-06-06. Review status: criteria provided, single submitter. Criteria: Ambry Variant Classification Scheme 2023. Collection method: clinical testing. Allele origin: germline.
Comment: The p.L62F variant (also known as c.186G>C), located in coding exon 1 of the AXIN2 gene, results from a G to C substitution at nucleotide position 186. The leucine at codon 62 is replaced by phenylalanine, an amino acid with highly similar properties. This amino acid position is conserved. In addition, the in silico prediction for this alteration is inconclusive. Based on the available evidence, the clinical significance of this variant remains unclear.